The following is an entry in ClinVar:

ClinVar aggregate classification (germline): Uncertain significance. Review status: criteria provided, multiple submitters, no conflicts (2 of 4 stars). 2 submissions from 2 submitters: Uncertain significance (2). Last evaluated 2024-04-04.

Conditions:
Inborn genetic diseases. Identifiers: MedGen C0950123, MeSH D030342.

Allele frequency attached by ClinVar (database versions not stated): ExAC 0.00002; gnomAD 0.00003.
gnomAD v4.1: 10 of 1,613,194 alleles (0.00062%); highest among the groups gnomAD compares: African/African-American, 0.012%; no homozygotes.

Submissions (2):

Ambry Genetics
Classification: Uncertain significance for Inborn genetic diseases. Last evaluated: 2024-04-04. Review status: criteria provided, single submitter. Criteria: Ambry Variant Classification Scheme 2023. Collection method: clinical testing. Allele origin: germline.

Labcorp Genetics (formerly Invitae), Labcorp
Classification: Uncertain significance. Last evaluated: 2024-01-15. Review status: criteria provided, single submitter. Criteria: Invitae Variant Classification Sherloc (09022015). Collection method: clinical testing. Allele origin: germline.
Comment: This sequence change replaces proline, which is neutral and non-polar, with histidine, which is basic and polar, at codon 257 of the COL27A1 protein (p.Pro257His). This variant is present in population databases (rs146040174, gnomAD 0.02%). This variant has not been reported in the literature in individuals affected with COL27A1-related conditions. ClinVar contains an entry for this variant (Variation ID: 2043421). Advanced modeling of protein sequence and biophysical properties (such as structural, functional, and spatial information, amino acid conservation, physicochemical variation, residue mobility, and thermodynamic stability) performed at Invitae indicates that this missense variant is not expected to disrupt COL27A1 protein function with a negative predictive value of 95%. In summary, the available evidence is currently insufficient to determine the role of this variant in disease. Therefore, it has been classified as a Variant of Uncertain Significance.

NM_032888.4(COL27A1):c.770C>A (p.Pro257His)

Gene: COL27A1 (collagen type XXVII alpha 1 chain; plus strand). Cytogenetic location: 9q32.
Variant type: single nucleotide variant.
Coding change: c.770C>A on transcript NM_032888.4 (MANE Select); coding-DNA position 770, C replaced by A.
Protein change: p.Pro257His; replaces proline 257 with histidine.
Molecular consequence: missense variant.
Genome position (GRCh38, 1-based): chr9:114,168,325, C>A. VCF-style: chr9-114168325-C-A. GRCh37 (hg19) VCF-style: chr9-116930605-C-A.
Other names: short protein forms P257H.
Identifiers: ClinVar variation 2043421 (VCV002043421.6), dbSNP rs146040174, ClinGen allele CA5201225.